The following is an entry in ClinVar:

NM_001267550.2(TTN):c.1961del (p.Thr654fs)

Gene: TTN (titin; minus strand). Cytogenetic location: 2q31.2.
Variant type: Deletion.
Coding change: c.1961del on transcript NM_001267550.2 (MANE Select); coding-DNA position 1961, one base deleted (C; older notation c.1961delC).
Protein change: p.Thr654fs; shifts the reading frame from threonine 654.
Molecular consequence: frameshift variant.
Genome position (GRCh38, 1-based): chr2:178,789,475, G deleted on the plus strand (C on the coding strand, the reverse complement: TTN is on the minus strand). VCF-style (leftmost placement, unchanged base first): chr2-178789474-AG-A. GRCh37 (hg19) VCF-style: chr2-179654201-AG-A.
Other names: c.1961del, p.Thr654fs (NM_001256850.1, NM_133378.4, NM_133379.5); c.1823del, p.Thr608fs (NM_003319.4, NM_133432.3, NM_133437.4); short protein forms T654fs, T608fs.
Identifiers: ClinVar variation 1415837 (VCV001415837.8), dbSNP rs2154353364, ClinGen allele CA2573134018.

ClinVar aggregate classification (germline): Likely pathogenic (1 of 4 stars; one submission).

Conditions:
Dilated cardiomyopathy 1G (CMD1G). Identifiers: Orphanet 154, MedGen C1858763, MONDO:0011400, OMIM 604145.
Autosomal recessive limb-girdle muscular dystrophy type 2J (LGMDR10). Also called: MUSCULAR DYSTROPHY, LIMB-GIRDLE, AUTOSOMAL RECESSIVE 10; Limb-girdle muscular dystrophy, type 2J. Identifiers: Orphanet 140922, MedGen C1837342, MONDO:0012127, OMIM 608807.

Submission:

Labcorp Genetics (formerly Invitae), Labcorp
Classification: Likely pathogenic for Dilated cardiomyopathy 1G; Autosomal recessive limb-girdle muscular dystrophy type 2J. Last evaluated: 2024-10-18. Review status: criteria provided, single submitter. Criteria: Invitae Variant Classification Sherloc (09022015). Collection method: clinical testing. Allele origin: germline.
Comment: This sequence change creates a premature translational stop signal (p.Thr654Metfs*6) in the TTN gene. While this is not anticipated to result in nonsense mediated decay, it is expected to create a truncated TTN protein. This variant is not present in population databases (gnomAD no frequency). This variant has not been reported in the literature in individuals affected with TTN-related conditions. ClinVar contains an entry for this variant (Variation ID: 1415837). This variant is located in the Z band of TTN (PMID: 25589632). Truncating variants in this region have been reported in individuals affected with autosomal recessive centronuclear myopathy (PMID: 33449170, internal data). Truncating variants in this region have also been identified in individuals affected with autosomal dominant dilated cardiomyopathy and/or cardio-related conditions (PMID: 27869827, 32964742, internal data). In summary, the currently available evidence indicates that the variant is pathogenic, but additional data are needed to prove that conclusively. Therefore, this variant has been classified as Likely Pathogenic.

Literature cited by the submitters: PubMed 25589632; PubMed 33449170; PubMed 27869827; PubMed 32964742.